The following is an entry in ClinVar:

ClinVar aggregate classification (germline): Likely benign (1 of 4 stars; one submission).

Allele frequency attached by ClinVar (database versions not stated): gnomAD exomes 0.00055; 1000 Genomes Project 0.00399; 1000 Genomes Project 30x 0.00422; gnomAD 0.00549 and 0.00599; TOPMed 0.00600.
gnomAD v4.1: 1,262 of 910,452 alleles (0.14%); highest among the groups gnomAD compares: African/African-American, 1.9%; 17 homozygotes.

Submission:

GeneDx
Classification: Likely benign. Last evaluated: 2018-06-18. Review status: criteria provided, single submitter. Criteria: GeneDx Variant Classification (06012015). Collection method: clinical testing. Allele origin: germline. Affected: yes.
Comment: This variant is considered likely benign or benign based on one or more of the following criteria: it is a conservative change, it occurs at a poorly conserved position in the protein, it is predicted to be benign by multiple in silico algorithms, and/or has population frequency not consistent with disease.

NM_001849.4(COL6A2):c.1116+123G>A

Gene: COL6A2 (collagen type VI alpha 2 chain; plus strand). Cytogenetic location: 21q22.3.
Variant type: single nucleotide variant.
Coding change: c.1116+123G>A on transcript NM_001849.4 (MANE Select); 123 bases into the intron after coding-DNA position 1116, G replaced by A.
Molecular consequence: intron variant.
Genome position (GRCh38, 1-based): chr21:46,118,059, G>A. VCF-style: chr21-46118059-G-A. GRCh37 (hg19) VCF-style: chr21-47537973-G-A.
Other names: c.1116+123G>A (NM_058175.3, NM_058174.3).
Identifiers: ClinVar variation 679524 (VCV000679524.1), dbSNP rs115156393, ClinGen allele CA321964588.